The following is an entry in ClinVar:

ClinVar aggregate classification (germline): Benign (1 of 4 stars; one submission).

Allele frequency attached by ClinVar (database versions not stated): gnomAD 0.38488 and 0.39349; TOPMed 0.38729; 1000 Genomes Project 30x 0.45940; 1000 Genomes Project 0.46466.
gnomAD v4.1: 59,697 of 151,880 alleles (39%); highest among the groups gnomAD compares: East Asian, 76%; 12,205 homozygotes.

Submission:

GeneDx
Classification: Benign. Last evaluated: 2018-06-14. Review status: criteria provided, single submitter. Criteria: GeneDx Variant Classification (06012015). Collection method: clinical testing. Allele origin: germline. Affected: yes.
Comment: This variant is considered likely benign or benign based on one or more of the following criteria: it is a conservative change, it occurs at a poorly conserved position in the protein, it is predicted to be benign by multiple in silico algorithms, and/or has population frequency not consistent with disease.

NM_182961.4(SYNE1):c.7556+206G>C

Gene: SYNE1 (spectrin repeat containing nuclear envelope protein 1; minus strand). Cytogenetic location: 6q25.2.
Variant type: single nucleotide variant.
Coding change: c.7556+206G>C on transcript NM_182961.4 (MANE Select); 206 bases into the intron after coding-DNA position 7556, G replaced by C.
Molecular consequence: intron variant.
Genome position (GRCh38, 1-based): chr6:152,396,569, C>G on the plus strand (G>C on the coding strand, the complement: SYNE1 is on the minus strand). VCF-style: chr6-152396569-C-G. GRCh37 (hg19) VCF-style: chr6-152717704-C-G.
Other names: c.7577+206G>C (NM_033071.5).
Identifiers: ClinVar variation 670669 (VCV000670669.1), dbSNP rs578359, ClinGen allele CA12449765.
Genomic context (GRCh38, chr6:152,396,569, plus strand): 5'-CCAAATAAAAATTATATGCATTTATATAATTTTCAGTTACTAGTAAATATAGTTTGTTTT[C>G]TCTATATTAAAAAAAGCCAAGTCATAACTTCAGAGTCCGAAAAATTGATTATTGCCCTAG-3'